The following is an entry in ClinVar:

ClinVar aggregate classification (germline): Uncertain significance (1 of 4 stars; one submission).

Conditions:
Idiopathic generalized epilepsy. Also called: Generalised epilepsy; EIG. Identifiers: MedGen C0270850, MONDO:0005579, OMIM 600669.

Submission:

Labcorp Genetics (formerly Invitae), Labcorp
Classification: Uncertain significance for Idiopathic generalized epilepsy. Last evaluated: 2024-08-12. Review status: criteria provided, single submitter. Criteria: Invitae Variant Classification Sherloc (09022015). Collection method: clinical testing. Allele origin: germline.
Comment: This sequence change replaces glycine, which is neutral and non-polar, with cysteine, which is neutral and slightly polar, at codon 369 of the GABRD protein (p.Gly369Cys). The frequency data for this variant in the population databases is considered unreliable, as metrics indicate poor data quality at this position in the gnomAD database. This variant has not been reported in the literature in individuals affected with GABRD-related conditions. ClinVar contains an entry for this variant (Variation ID: 942297). An algorithm developed to predict the effect of missense changes on protein structure and function (PolyPhen-2) suggests that this variant is likely to be disruptive. In summary, the available evidence is currently insufficient to determine the role of this variant in disease. Therefore, it has been classified as a Variant of Uncertain Significance.

NM_000815.5(GABRD):c.1105G>T (p.Gly369Cys)

Gene: GABRD (gamma-aminobutyric acid type A receptor subunit delta; plus strand). Cytogenetic location: 1p36.33.
Variant type: single nucleotide variant.
Coding change: c.1105G>T on transcript NM_000815.5 (MANE Select); coding-DNA position 1105, G replaced by T.
Protein change: p.Gly369Cys; replaces glycine 369 with cysteine.
Molecular consequence: missense variant.
Genome position (GRCh38, 1-based): chr1:2,030,028, G>T. VCF-style: chr1-2030028-G-T. GRCh37 (hg19) VCF-style: chr1-1961467-G-T.
Other names: short protein forms G369C.
Identifiers: ClinVar variation 942297 (VCV000942297.9), dbSNP rs759836961, ClinGen allele CA534912.